The following is an entry in ClinVar:

ClinVar aggregate classification (germline): Conflicting classifications of pathogenicity. Review status: criteria provided, conflicting classifications (1 of 4 stars). 4 submissions from 4 submitters: Uncertain significance (2); Likely benign (2). Last evaluated 2024-03-30.

Conditions:
Episodic ataxia type 2 (EA2). Also called: ATAXIA, EPISODIC, WITH NYSTAGMUS; ATAXIA, FAMILIAL PAROXYSMAL; CEREBELLAR ATAXIA, PAROXYSMAL, ACETAZOLAMIDE-RESPONSIVE; CEREBELLOPATHY, HEREDITARY PAROXYSMAL; ACETAZOLAMIDE-RESPONSIVE HEREDITARY PAROXYSMAL CEREBELLAR ATAXIA; EPISODIC ATAXIA, NYSTAGMUS-ASSOCIATED. Identifiers: Orphanet 97, MedGen C1720416, MONDO:0007163, OMIM 108500.
Developmental and epileptic encephalopathy, 42 (DEE42A). Also called: DEVELOPMENTAL AND EPILEPTIC ENCEPHALOPATHY 42A; EPILEPTIC ENCEPHALOPATHY, EARLY INFANTILE, 42A; Epileptic encephalopathy, early infantile, 42. Identifiers: MedGen C4310716, MONDO:0014917, OMIM 617106.
Inborn genetic diseases. Identifiers: MedGen C0950123, MeSH D030342.

Allele frequency attached by ClinVar (database versions not stated): gnomAD 0.00001; TOPMed 0.00001.
gnomAD v4.1: 7 of 1,576,732 alleles (0.00044%); highest among the groups gnomAD compares: East Asian, 0.0045%; no homozygotes.

Submissions (4):

Ambry Genetics
Classification: Likely benign for Inborn genetic diseases. Last evaluated: 2024-03-30. Review status: criteria provided, single submitter. Criteria: Ambry Variant Classification Scheme 2023. Collection method: clinical testing. Allele origin: germline.

Labcorp Genetics (formerly Invitae), Labcorp
Classification: Uncertain significance for Developmental and epileptic encephalopathy, 42; Episodic ataxia type 2. Last evaluated: 2022-07-01. Review status: criteria provided, single submitter. Criteria: Invitae Variant Classification Sherloc (09022015). Collection method: clinical testing. Allele origin: germline.
Comment: In summary, the available evidence is currently insufficient to determine the role of this variant in disease. Therefore, it has been classified as a Variant of Uncertain Significance. Advanced modeling of protein sequence and biophysical properties (such as structural, functional, and spatial information, amino acid conservation, physicochemical variation, residue mobility, and thermodynamic stability) performed at Invitae indicates that this missense variant is not expected to disrupt CACNA1A protein function. ClinVar contains an entry for this variant (Variation ID: 388678). This variant has not been reported in the literature in individuals affected with CACNA1A-related conditions. This variant is not present in population databases (gnomAD no frequency). This sequence change replaces alanine, which is neutral and non-polar, with threonine, which is neutral and polar, at codon 2258 of the CACNA1A protein (p.Ala2258Thr).

Revvity Omics, Revvity
Classification: Uncertain significance. Last evaluated: 2019-10-10. Review status: criteria provided, single submitter. Criteria: ACMG Guidelines, 2015. Collection method: clinical testing. Allele origin: germline.

GeneDx
Classification: Likely benign. Last evaluated: 2016-09-02. Review status: criteria provided, single submitter. Criteria: GeneDx Variant Classification (06012015). Collection method: clinical testing. Allele origin: germline. Affected: yes.
Comment: This variant is considered likely benign or benign based on one or more of the following criteria: it is a conservative change, it occurs at a poorly conserved position in the protein, it is predicted to be benign by multiple in silico algorithms, and/or has population frequency not consistent with disease.

NM_001127222.2(CACNA1A):c.6769G>A (p.Ala2257Thr)

Genes: CACNA1A (calcium voltage-gated channel subunit alpha1 A; minus strand), LOC130063717 (ATAC-STARR-seq lymphoblastoid silent region 10203; plus strand). Cytogenetic location: 19p13.13.
Variant type: single nucleotide variant.
Coding change: c.6769G>A on transcript NM_001127222.2 (MANE Select); coding-DNA position 6769, G replaced by A.
Protein change: p.Ala2257Thr; replaces alanine 2257 with threonine.
Molecular consequence: missense variant.
Genome position (GRCh38, 1-based): chr19:13,208,767, C>T on the plus strand (G>A on the coding strand, the complement: CACNA1A is on the minus strand). VCF-style: chr19-13208767-C-T. GRCh37 (hg19) VCF-style: chr19-13319581-C-T.
Other names: c.6787G>A, p.Ala2263Thr (NM_000068.4, NM_023035.3); c.6772G>A, p.Ala2258Thr (NM_001127221.2); c.6778G>A, p.Ala2260Thr (NM_001174080.2); short protein forms A2258T, A2260T, A2263T, A2257T.
Identifiers: ClinVar variation 388678 (VCV000388678.9), dbSNP rs1057523197, ClinGen allele CA16608876.